The following is an entry in ClinVar:

ClinVar aggregate classification (germline): Conflicting classifications of pathogenicity. Review status: criteria provided, conflicting classifications (1 of 4 stars). 4 submissions from 4 submitters: Uncertain significance (2); Likely benign (1). 1 of the submissions does not count toward it. Last evaluated 2026-01-19.

Conditions:
XYLT2-related disorder. Also called: XYLT2-related condition.
Osteogenesis imperfecta (OI). Identifiers: Orphanet 666, MedGen C0029434, MeSH D010013, MONDO:0019019.

Allele frequency attached by ClinVar (database versions not stated): gnomAD 0.00004 and 0.00005; gnomAD exomes 0.00017 and 0.00038; TOPMed 0.00021; 1000 Genomes Project 30x 0.00031; ExAC 0.00032; 1000 Genomes Project 0.00040.

Submissions (4):

Labcorp Genetics (formerly Invitae), Labcorp
Classification: Likely benign. Last evaluated: 2026-01-19. Review status: criteria provided, single submitter. Criteria: Invitae Variant Classification Sherloc (09022015). Collection method: clinical testing. Allele origin: germline.

Genome Diagnostics Laboratory, The Hospital for Sick Children
Classification: Uncertain significance for Osteogenesis imperfecta. Last evaluated: 2020-11-17. Review status: criteria provided, single submitter. Criteria: ACMG Guidelines, 2015. Collection method: clinical testing. Allele origin: germline.

Center for Pediatric Genomic Medicine, Children's Mercy Hospital and Clinics
Classification: Uncertain significance. Last evaluated: 2016-11-10. Review status: criteria provided, single submitter. Criteria: ACMG Guidelines, 2015. Collection method: clinical testing. Allele origin: germline.
ClinVar note: Converted during submission from Uncertain Significance to Uncertain significance.

PreventionGenetics, part of Exact Sciences
Classification: Likely benign for XYLT2-related condition. Last evaluated: 2022-05-29. Review status: no assertion criteria provided. Collection method: clinical testing. Allele origin: germline. Not counted in ClinVar's aggregate classification.
Comment: This variant is classified as likely benign based on ACMG/AMP sequence variant interpretation guidelines (Richards et al. 2015 PMID: 25741868, with internal and published modifications).

NM_022167.4(XYLT2):c.2312A>G (p.Asn771Ser)

Gene: XYLT2 (xylosyltransferase 2; plus strand). Cytogenetic location: 17q21.33.
Variant type: single nucleotide variant.
Coding change: c.2312A>G on transcript NM_022167.4 (MANE Select); coding-DNA position 2312, A replaced by G.
Protein change: p.Asn771Ser; replaces asparagine 771 with serine.
Molecular consequence: missense variant.
Genome position (GRCh38, 1-based): chr17:50,360,005, A>G. VCF-style: chr17-50360005-A-G. GRCh37 (hg19) VCF-style: chr17-48437366-A-G.
Other names: short protein forms N771S.
Identifiers: ClinVar variation 377370 (VCV000377370.18), dbSNP rs199705453, ClinGen allele CA8646711.